The following is an entry in ClinVar:

NM_182902.4(KIF9):c.910T>A (p.Ser304Thr)

Gene: KIF9 (kinesin family member 9; minus strand). Cytogenetic location: 3p21.31.
Variant type: single nucleotide variant.
Coding change: c.910T>A on transcript NM_182902.4 (MANE Select); coding-DNA position 910, T replaced by A.
Protein change: p.Ser304Thr; replaces serine 304 with threonine.
Molecular consequence: missense variant.
Genome position (GRCh38, 1-based): chr3:47,265,736, A>T on the plus strand (T>A on the coding strand, the complement: KIF9 is on the minus strand). VCF-style: chr3-47265736-A-T. GRCh37 (hg19) VCF-style: chr3-47307226-A-T.
Other names: c.910T>A, p.Ser304Thr (NM_001134878.3, NM_022342.6); c.685T>A, p.Ser229Thr (NM_001377474.1, NM_001377475.1); c.952T>A, p.Ser318Thr (NM_001413975.1); c.1009T>A, p.Ser337Thr (NM_001413976.1); short protein forms S229T, S304T, S318T, S337T.
Identifiers: ClinVar variation 2351162 (VCV002351162.3), dbSNP rs138701088, ClinGen allele CA2364357.
Genomic context (GRCh38, chr3:47,265,736, plus strand): 5'-TCCCTCCCCAAAGACACAGACCCTCCTCCCTGGGCAGCAACTGTACCCCCTCACCTAACG[A>T]GTCCTTCAGAGCGTGGGTGAGCTTGCACTGCCGAAAGGGGATGTGGTCCCGCTTCTGGTC-3'
Protein context (NP_878905.2, residues 294-314): QCKLTHALKD[Ser304Thr]LGGNCNMVLV

ClinVar aggregate classification (germline): Uncertain significance. Review status: criteria provided, multiple submitters, no conflicts (2 of 4 stars). 2 submissions from 2 submitters: Uncertain significance (2). Last evaluated 2026-04-01.

Conditions:
Primary ciliary dyskinesia. Also called: Ciliary dyskinesia. Identifiers: Orphanet 244, MedGen C0008780, MONDO:0016575, HP:0012265.

Allele frequency attached by ClinVar (database versions not stated): gnomAD exomes 0.00034; gnomAD 0.00036; ExAC 0.00038; ESP Exome Variant Server 0.00054; TOPMed 0.00054.
gnomAD v4.1: 558 of 1,613,964 alleles (0.035%); highest among the groups gnomAD compares: Middle Eastern, 0.25%; 1 homozygote.

Submissions (2):

Department of Human Genetics, Hannover Medical School
Classification: Uncertain significance for Primary Ciliary Dyskinesia. Last evaluated: 2026-04-01. Review status: criteria provided, single submitter. Criteria: ACMG Guidelines, 2015. Collection method: research. Allele origin: germline. Affected: no.
Comment: Classification performed by HerediClassify using the following criteria:['PM2_supporting: Variant occures does not occur as homozygous in gnomAD.', 'PP3_protein_moderate: Variant is predicted to be pathogenic by REVEL with evidence strength moderate meeting a threshold of 0.773 (value: 0.78).', "PP4_moderate: The PICADAR socre of 6.0 exceeds threshold of 6 achieving 'moderate' evidence strength."]

Ambry Genetics
Classification: Uncertain significance. Last evaluated: 2022-04-13. Review status: criteria provided, single submitter. Criteria: Ambry Variant Classification Scheme 2023. Collection method: clinical testing. Allele origin: germline.